The following is an entry in ClinVar:

NM_003072.5(SMARCA4):c.4240_4243del (p.Lys1414fs)

Gene: SMARCA4 (SWI/SNF related BAF chromatin remodeling complex subunit ATPase 4; plus strand). Cytogenetic location: 19p13.2.
Variant type: Deletion.
Coding change: c.4240_4243del on transcript NM_003072.5 (MANE Select); coding-DNA positions 4240 to 4243, 4 bases deleted (AAGC; older notation c.4240_4243delAAGC).
Protein change: p.Lys1414fs; shifts the reading frame from lysine 1414.
Molecular consequence: frameshift variant. On other transcripts: non-coding transcript variant (1).
Genome position (GRCh38, 1-based): chr19:11,041,376-11,041,379, AAGC deleted; deleting any 4 consecutive bases within chr19:11,041,374-11,041,379 gives the same sequence; the c. name uses the placement nearest the transcript's 3' end. VCF-style (leftmost placement, unchanged base first): chr19-11041373-CGCAA-C. GRCh37 (hg19) VCF-style: chr19-11152049-CGCAA-C.
Other names: c.4240_4243del, p.Lys1414fs (NM_001128844.3); c.4150_4153del, p.Lys1384fs (NM_001128845.2, NM_001128846.2); c.4141_4144del, p.Lys1381fs (NM_001128847.4, NM_001128848.2, NM_001374457.1); c.4336_4339del, p.Lys1446fs (NM_001128849.3, NM_001387283.1); c.4237_4240del, p.Lys1413fs (NM_001411150.1); short protein forms K1381fs, K1414fs, K1413fs, K1384fs, K1446fs.
Identifiers: ClinVar variation 3728996 (VCV003728996.2).
Genomic context (GRCh38, chr19:11,041,373, plus strand): 5'-GAGGAGGGCACGCTGGAGGAGATCGAAGAGGAGGTCCGGCAGAAGAAATCATCACGGAAG[CGCAA>C]GCGAGACAGCGACGCCGGCTCCTCCACCCCGACCACCAGCACCCGCAGCCGCGACAAGGA-3'

ClinVar aggregate classification (germline): Pathogenic (1 of 4 stars; one submission).

Conditions:
Rhabdoid tumor predisposition syndrome 2 (RTPS2). Identifiers: Orphanet 231108, Orphanet 69077, MedGen C2750074, MONDO:0013224, OMIM 613325.

Submission:

Labcorp Genetics (formerly Invitae), Labcorp
Classification: Pathogenic for Rhabdoid tumor predisposition syndrome 2. Last evaluated: 2025-01-14. Review status: criteria provided, single submitter. Criteria: Invitae Variant Classification Sherloc (09022015). Collection method: clinical testing. Allele origin: germline.
Comment: This sequence change creates a premature translational stop signal (p.Lys1446Glufs*48) in the SMARCA4 gene. It is expected to result in an absent or disrupted protein product. Loss-of-function variants in SMARCA4 are known to be pathogenic (PMID: 24658001, 24658002). This variant is not present in population databases (gnomAD no frequency). This variant has not been reported in the literature in individuals affected with SMARCA4-related conditions. For these reasons, this variant has been classified as Pathogenic.

Literature cited by the submitters: PubMed 24658001; PubMed 24658002.